The following is an entry in ClinVar:

NM_139159.5(DPP9):c.1737C>T (p.Cys579=)

Gene: DPP9 (dipeptidyl peptidase 9; minus strand). Cytogenetic location: 19p13.3.
Variant type: single nucleotide variant.
Coding change: c.1737C>T on transcript NM_139159.5 (MANE Select); coding-DNA position 1737, C replaced by T.
Protein change: p.Cys579=; no amino-acid change (cysteine 579 retained).
Molecular consequence: synonymous variant. On other transcripts: non-coding transcript variant (9).
Genome position (GRCh38, 1-based): chr19:4,689,582, G>A on the plus strand (C>T on the coding strand, the complement: DPP9 is on the minus strand). VCF-style: chr19-4689582-G-A. GRCh37 (hg19) VCF-style: chr19-4689594-G-A.
Other names: c.1737C>T, p.Cys579= (NM_001384611.1, NM_001384612.1, NM_001384613.1 and 8 more transcripts); c.1704C>T, p.Cys568= (NM_001384619.1); c.1698C>T, p.Cys566= (NM_001384620.1, NM_001384621.1); c.1650C>T, p.Cys550= (NM_001384623.1, NM_001384624.1, NM_001384625.1 and 2 more transcripts); c.1497C>T, p.Cys499= (NM_001384631.1).
Identifiers: ClinVar variation 5039777 (VCV005039777.1).

ClinVar aggregate classification (germline): Likely benign (1 of 4 stars; one submission).

gnomAD v4.1: 65 of 1,564,656 alleles (0.0042%); highest among the groups gnomAD compares: Admixed American, 0.06%; no homozygotes.

Submission:

CeGaT Center for Human Genetics Tuebingen
Classification: Likely benign. Last evaluated: 2026-08-01. Review status: criteria provided, single submitter. Criteria: CeGaT Center For Human Genetics Tuebingen Variant Classification Criteria Version 2. Collection method: clinical testing. Allele origin: germline. Affected: yes. Observed: 1 variant allele.
Comment: DPP9: BP4, BP7